The following is an entry in ClinVar:

NM_203446.3(SYNJ1):c.1744A>G (p.Thr582Ala)

Gene: SYNJ1 (synaptojanin 1; minus strand). Cytogenetic location: 21q22.11.
Variant type: single nucleotide variant.
Coding change: c.1744A>G on transcript NM_203446.3 (MANE Select); coding-DNA position 1744, A replaced by G.
Protein change: p.Thr582Ala; replaces threonine 582 with alanine.
Molecular consequence: missense variant.
Genome position (GRCh38, 1-based): chr21:32,670,355, T>C on the plus strand (A>G on the coding strand, the complement: SYNJ1 is on the minus strand). VCF-style: chr21-32670355-T-C. GRCh37 (hg19) VCF-style: chr21-34042665-T-C.
Other names: c.1744A>G, p.Thr582Ala (NM_001160302.2); c.1729A>G, p.Thr577Ala (NM_001160306.2); c.1861A>G, p.Thr621Ala (NM_003895.4); short protein forms T577A, T582A, T621A.
Identifiers: ClinVar variation 1447060 (VCV001447060.5), dbSNP rs370817503, ClinGen allele CA319433525.

ClinVar aggregate classification (germline): Uncertain significance. Review status: criteria provided, multiple submitters, no conflicts (2 of 4 stars). 3 submissions from 3 submitters: Uncertain significance (3). Last evaluated 2023-01-12.

Conditions:
Developmental and epileptic encephalopathy, 53. Also called: Epileptic encephalopathy, early infantile, 53. Identifiers: MedGen C4479313, MONDO:0033362, OMIM 617389.
Early-onset Parkinson disease 20. Also called: PARKINSON DISEASE 20, AUTOSOMAL RECESSIVE EARLY-ONSET. Identifiers: Orphanet 391411, MedGen C3809824, MONDO:0014233, OMIM 615530.
Inborn genetic diseases. Identifiers: MedGen C0950123, MeSH D030342.

Allele frequency attached by ClinVar (database versions not stated): gnomAD exomes below 0.00001 and 0.00002; gnomAD 0.00003 and 0.00004; TOPMed 0.00003; ESP Exome Variant Server 0.00008.
gnomAD v4.1: 32 of 1,613,182 alleles (0.002%); highest among the groups gnomAD compares: Non-Finnish European, 0.0026%; no homozygotes.

Submissions (3):

Women's Health and Genetics/Laboratory Corporation of America, LabCorp
Classification: Uncertain significance. Last evaluated: 2023-01-12. Review status: criteria provided, single submitter. Criteria: LabCorp Variant Classification Summary - May 2015. Collection method: clinical testing. Allele origin: germline.
Comment: Variant summary: SYNJ1 c.1861A>G (p.Thr621Ala) results in a non-conservative amino acid change in the encoded protein sequence. Four of five in-silico tools predict a benign effect of the variant on protein function. The variant allele was found at a frequency of 4e-06 in 250274 control chromosomes (gnomAD). The available data on variant occurrences in the general population are insufficient to allow any conclusion about variant significance. To our knowledge, no occurrence of c.1861A>G in individuals affected with SYNJ1-Related Disorders and no experimental evidence demonstrating its impact on protein function have been reported. One submitter has provided a clinical-significance assessment for this variant to ClinVar after 2014, and classified the variant as uncertain significance. Based on the evidence outlined above, the variant was classified as uncertain significance.

Labcorp Genetics (formerly Invitae), Labcorp
Classification: Uncertain significance for Developmental and epileptic encephalopathy, 53; Early-onset Parkinson disease 20. Last evaluated: 2022-10-24. Review status: criteria provided, single submitter. Criteria: Invitae Variant Classification Sherloc (09022015). Collection method: clinical testing. Allele origin: germline.
Comment: This sequence change replaces threonine, which is neutral and polar, with alanine, which is neutral and non-polar, at codon 621 of the SYNJ1 protein (p.Thr621Ala). This variant is present in population databases (rs370817503, gnomAD 0.0009%). This variant has not been reported in the literature in individuals affected with SYNJ1-related conditions. ClinVar contains an entry for this variant (Variation ID: 1447060). Advanced modeling of protein sequence and biophysical properties (such as structural, functional, and spatial information, amino acid conservation, physicochemical variation, residue mobility, and thermodynamic stability) performed at Invitae indicates that this missense variant is not expected to disrupt SYNJ1 protein function. In summary, the available evidence is currently insufficient to determine the role of this variant in disease. Therefore, it has been classified as a Variant of Uncertain Significance.

Ambry Genetics
Classification: Uncertain significance for Inborn genetic diseases. Last evaluated: 2021-09-15. Review status: criteria provided, single submitter. Criteria: Ambry Variant Classification Scheme 2023. Collection method: clinical testing. Allele origin: germline.